The following is an entry in ClinVar:

ClinVar aggregate classification (germline): Uncertain significance (1 of 4 stars; one submission).

Submission:

GeneDx
Classification: Uncertain significance. Last evaluated: 2026-02-04. Review status: criteria provided, single submitter. Criteria: GeneDx Variant Classification Process June 2021. Collection method: clinical testing. Allele origin: germline.
Comment: Not observed at significant frequency in large population cohorts (gnomAD); In silico analysis supports that this missense variant has a deleterious effect on protein structure/function; Has not been previously published as pathogenic or benign to our knowledge

NM_006885.4(ZFHX3):c.618A>C (p.Lys206Asn)

Gene: ZFHX3 (zinc finger homeobox 3; minus strand). Cytogenetic location: 16q22.3.
Variant type: single nucleotide variant.
Coding change: c.618A>C on transcript NM_006885.4 (MANE Select); coding-DNA position 618, A replaced by C.
Protein change: p.Lys206Asn; replaces lysine 206 with asparagine.
Molecular consequence: missense variant. On other transcripts: intron variant (1).
Genome position (GRCh38, 1-based): chr16:72,959,528, T>G on the plus strand (A>C on the coding strand, the complement: ZFHX3 is on the minus strand). VCF-style: chr16-72959528-T-G. GRCh37 (hg19) VCF-style: chr16-72993427-T-G.
Other names: c.618A>C, p.Lys206Asn (NM_001386735.1); c.-23-8563A>C (NM_001164766.2); short protein forms K206N.
Identifiers: ClinVar variation 4975586 (VCV004975586.1).